The following is an entry in ClinVar:

NM_000747.3(CHRNB1):c.201_214delinsAAATCTTC (p.Asn67_Glu72delinsLysAsnLeuGln)

Gene: CHRNB1 (cholinergic receptor nicotinic beta 1 subunit; plus strand). Cytogenetic location: 17p13.1.
Variant type: Indel.
Coding change: c.201_214delinsAAATCTTC on transcript NM_000747.3 (MANE Select); coding-DNA positions 201 to 214, CGAGAAGGATGAAG replaced by AAATCTTC.
Protein change: p.Asn67_Glu72delinsLysAsnLeuGln.
Molecular consequence: inframe indel.
Genome position (GRCh38, 1-based): chr17:7,446,071-7,446,084, CGAGAAGGATGAAG replaced by AAATCTTC. VCF-style: chr17-7446071-CGAGAAGGATGAAG-AAATCTTC. GRCh37 (hg19) VCF-style: chr17-7349390-CGAGAAGGATGAAG-AAATCTTC.
Identifiers: ClinVar variation 3345569 (VCV003345569.1).

ClinVar aggregate classification (germline): Uncertain significance (0 of 4 stars; one submission).

Conditions:
CHRNB1-related disorder. Also called: CHRNB1-related condition.

Submission:

PreventionGenetics, part of Exact Sciences
Classification: Uncertain significance for CHRNB1-related condition. Last evaluated: 2024-04-24. Review status: no assertion criteria provided. Collection method: clinical testing. Allele origin: germline.
Comment: The CHRNB1 c.201_214delinsAAATCTTC variant is predicted to result in an in-frame deletion and insertion. To our knowledge, this variant has not been reported in the literature or in a large population database, indicating this variant is rare. At this time, the clinical significance of this variant is uncertain due to the absence of conclusive functional and genetic evidence.